The following is an entry in ClinVar:

NM_001267550.2(TTN):c.93527T>C (p.Leu31176Pro)

Genes: TTN (titin; minus strand), TTN-AS1 (TTN antisense RNA 1; plus strand). Cytogenetic location: 2q31.2.
Variant type: single nucleotide variant.
Coding change: c.93527T>C on transcript NM_001267550.2 (MANE Select); coding-DNA position 93527, T replaced by C.
Protein change: p.Leu31176Pro; replaces leucine 31176 with proline.
Molecular consequence: missense variant.
Genome position (GRCh38, 1-based): chr2:178,548,099, A>G on the plus strand (T>C on the coding strand, the complement: TTN is on the minus strand). VCF-style: chr2-178548099-A-G. GRCh37 (hg19) VCF-style: chr2-179412826-A-G.
Other names: c.88604T>C, p.Leu29535Pro (NM_001256850.1); c.66332T>C, p.Leu22111Pro (NM_003319.4); c.85823T>C, p.Leu28608Pro (NM_133378.4); c.66707T>C, p.Leu22236Pro (NM_133432.3); c.66908T>C, p.Leu22303Pro (NM_133437.4); short protein forms L22111P, L22236P, L22303P, L28608P, L29535P, L31176P.
Identifiers: ClinVar variation 1677701 (VCV001677701.3), dbSNP rs773083742, ClinGen allele CA1987289.

ClinVar aggregate classification (germline): Uncertain significance. Review status: criteria provided, multiple submitters, no conflicts (2 of 4 stars). 3 submissions from 3 submitters: Uncertain significance (3). Last evaluated 2025-06-03.

Conditions:
Hypertrophic cardiomyopathy 9. Also called: Familial hypertrophic cardiomyopathy 9. Identifiers: MedGen C1861065, MONDO:0013412, OMIM 613765.
Dilated cardiomyopathy 1G (CMD1G). Identifiers: Orphanet 154, MedGen C1858763, MONDO:0011400, OMIM 604145.
Tibial muscular dystrophy (TMD). Also called: Udd Distal Myopathy – Tibial Muscular Dystrophy; UDD MYOPATHY; Tibial muscular dystrophy, tardive. Identifiers: Orphanet 609, MedGen C1838244, MONDO:0010870, OMIM 600334.
Early-onset myopathy with fatal cardiomyopathy (CMYO5). Also called: Salih Myopathy; CONGENITAL MYOPATHY 5 WITH CARDIOMYOPATHY. Identifiers: Orphanet 289377, MedGen C2673677, MONDO:0012714, OMIM 611705. Disease mechanism: loss of function.
Myopathy, myofibrillar, 9, with early respiratory failure (MFM9). Also called: EDSTROM MYOPATHY; MYOPATHY, PROXIMAL, WITH EARLY RESPIRATORY MUSCLE INVOLVEMENT; Hereditary myopathy with early respiratory failure; Myopathy, distal, with early respiratory failure, autosomal dominant. Identifiers: Orphanet 178464, Orphanet 34521, MedGen C1863599, MONDO:0011362, OMIM 603689.
Autosomal recessive limb-girdle muscular dystrophy type 2J (LGMDR10). Also called: Limb-girdle muscular dystrophy, type 2J; MUSCULAR DYSTROPHY, LIMB-GIRDLE, AUTOSOMAL RECESSIVE 10. Identifiers: Orphanet 140922, MedGen C1837342, MONDO:0012127, OMIM 608807.

Allele frequency attached by ClinVar (database versions not stated): gnomAD exomes 0.00001; ExAC 0.00002; TOPMed 0.00002; gnomAD 0.00003 and 0.00004.
gnomAD v4.1: 5 of 1,613,768 alleles (0.00031%); highest among the groups gnomAD compares: African/African-American, 0.0027%; no homozygotes.

Submissions (3):

Women's Health and Genetics/Laboratory Corporation of America, LabCorp
Classification: Uncertain significance. Last evaluated: 2025-06-03. Review status: criteria provided, single submitter. Criteria: LabCorp Variant Classification Summary - May 2015. Collection method: clinical testing. Allele origin: germline.
Comment: Variant summary: TTN c.85823T>C (p.Leu28608Pro) results in a non-conservative amino acid change in the encoded protein sequence. Algorithms developed to predict the effect of missense changes on protein structure and function all suggest that this variant is likely to be disruptive. The variant allele was found at a frequency of 8e-06 in 249016 control chromosomes. The available data on variant occurrences in the general population are insufficient to allow any conclusion about variant significance. To our knowledge, no occurrence of c.85823T>C in individuals affected with Dilated Cardiomyopathy and no experimental evidence demonstrating its impact on protein function have been reported. ClinVar contains an entry for this variant (Variation ID: 1677701). Based on the evidence outlined above, the variant was classified as uncertain significance.

Fulgent Genetics
Classification: Uncertain significance for Tibial muscular dystrophy; Myopathy, myofibrillar, 9, with early respiratory failure; Dilated cardiomyopathy 1G; Autosomal recessive limb-girdle muscular dystrophy type 2J; Early-onset myopathy with fatal cardiomyopathy; Hypertrophic cardiomyopathy 9. Last evaluated: 2022-02-17. Review status: criteria provided, single submitter. Criteria: ACMG Guidelines, 2015. Collection method: clinical testing. Allele origin: unknown.

AiLife Diagnostics
Classification: Uncertain significance. Last evaluated: 2021-12-15. Review status: criteria provided, single submitter. Criteria: ACMG Guidelines, 2015. Collection method: clinical testing. Allele origin: germline. Affected: yes. Observed: 1 variant allele.